The following is an entry in ClinVar:

NM_000038.6(APC):c.2889T>A (p.Ser963Arg)

Gene: APC (APC regulator of Wnt signaling pathway; plus strand). Cytogenetic location: 5q22.2.
Variant type: single nucleotide variant.
Coding change: c.2889T>A on transcript NM_000038.6 (MANE Select); coding-DNA position 2889, T replaced by A.
Protein change: p.Ser963Arg; replaces serine 963 with arginine.
Molecular consequence: missense variant. On other transcripts: non-coding transcript variant (2).
Genome position (GRCh38, 1-based): chr5:112,838,483, T>A. VCF-style: chr5-112838483-T-A. GRCh37 (hg19) VCF-style: chr5-112174180-T-A.
Other names: c.2889T>A, p.Ser963Arg (NM_001127510.3, NM_001354895.2, NM_001407450.1); c.2835T>A, p.Ser945Arg (NM_001127511.3); c.2943T>A, p.Ser981Arg (NM_001354896.2, NM_001407447.1, NM_001407448.1 and 1 more transcripts); c.2919T>A, p.Ser973Arg (NM_001354897.2); c.2814T>A, p.Ser938Arg (NM_001354898.2); c.2805T>A, p.Ser935Arg (NM_001354899.2); c.2766T>A, p.Ser922Arg (NM_001354900.2); c.2712T>A, p.Ser904Arg (NM_001354901.2, NM_001407453.1); and 11 more; short protein forms S837R, S872R, S880R, S963R, S981R, S945R, S953R, S579R.
Identifiers: ClinVar variation 3306029 (VCV003306029.1).

ClinVar aggregate classification (germline): Uncertain significance (1 of 4 stars; one submission).

Conditions:
Hereditary cancer-predisposing syndrome. Also called: Tumor predisposition; Hereditary Cancer Syndrome; Hereditary neoplastic syndrome; Neoplastic Syndromes, Hereditary. Identifiers: Orphanet 140162, MedGen C0027672, MeSH D009386, MONDO:0015356.

Submission:

Ambry Genetics
Classification: Uncertain significance for Hereditary cancer-predisposing syndrome. Last evaluated: 2024-06-24. Review status: criteria provided, single submitter. Criteria: Ambry Variant Classification Scheme 2023. Collection method: clinical testing. Allele origin: germline.
Comment: The p.S963R variant (also known as c.2889T>A), located in coding exon 15 of the APC gene, results from a T to A substitution at nucleotide position 2889. The serine at codon 963 is replaced by arginine, an amino acid with dissimilar properties. This amino acid position is conserved. In addition, in silico predictors for this gene do not accurately predict pathogenicity. Based on the available evidence, the clinical significance of this variant remains unclear.